The following is an entry in ClinVar:

ClinVar aggregate classification (germline): Benign/Likely benign. Review status: criteria provided, multiple submitters, no conflicts (2 of 4 stars). 13 submissions from 10 submitters: Benign (11); Likely benign (2). Last evaluated 2026-07-01.

Conditions:
Congenital myopathy 18. Also called: Myopathy, congenital, due to dihydropyridine receptor defect; DIHYDROPYRIDINE RECEPTOR CONGENITAL MYOPATHY; DHPR CONGENITAL MYOPATHY. Identifiers: MedGen C5830283, MONDO:0859514, OMIM 620246.
Inborn genetic diseases. Identifiers: MedGen C0950123, MeSH D030342.
Thyrotoxic periodic paralysis, susceptibility to, 1 (TTPP1). Identifiers: Orphanet 79102, MedGen C2749982, MONDO:0008570, OMIM 188580.
Hypokalemic periodic paralysis, type 1. Also called: Hypokalemic Periodic Paralysis Type 1 (AD); HypoPP. Identifiers: Orphanet 681, MedGen C3714580, MONDO:0042979, OMIM 170400.
Malignant hyperthermia, susceptibility to, 5 (MHS5). Also called: CACNA1S-Related Malignant Hyperthermia Susceptibility. Identifiers: Orphanet 423, MedGen C1866077, MONDO:0011163, OMIM 601887.

Allele frequency attached by ClinVar (database versions not stated): gnomAD exomes 0.00128 and 0.00053; gnomAD 0.00449 and 0.00479; TOPMed 0.00516; 1000 Genomes Project 0.00559; 1000 Genomes Project 30x 0.00578; ExAC 0.00168; ESP Exome Variant Server 0.00531.
gnomAD v4.1: 1,477 of 1,613,956 alleles (0.092%); highest among the groups gnomAD compares: African/African-American, 1.6%; 10 homozygotes.

Submissions (13):

Ambry Genetics
Classification: Likely benign for Inborn genetic diseases. Last evaluated: 2026-07-01. Review status: criteria provided, single submitter. Criteria: Ambry Variant Classification Scheme 2023. Collection method: clinical testing. Allele origin: germline.

Labcorp Genetics (formerly Invitae), Labcorp
Classification: Benign for Hypokalemic periodic paralysis, type 1; Malignant hyperthermia, susceptibility to, 5. Last evaluated: 2026-01-28. Review status: criteria provided, single submitter. Criteria: Invitae Variant Classification Sherloc (09022015). Collection method: clinical testing. Allele origin: germline.

Blueprint Genetics
Classification: Likely benign. Last evaluated: 2024-10-18. Review status: criteria provided, single submitter. Criteria: ACMG Guidelines, 2015. Collection method: clinical testing. Allele origin: germline.

Genome-Nilou Lab
Classification: Benign for Malignant hyperthermia, susceptibility to, 5. Last evaluated: 2023-04-11. Review status: criteria provided, single submitter. Criteria: ACMG Guidelines, 2015. Collection method: clinical testing. Allele origin: germline. Affected: no.

Genome-Nilou Lab
Classification: Benign for Thyrotoxic periodic paralysis, susceptibility to, 1. Last evaluated: 2023-04-11. Review status: criteria provided, single submitter. Criteria: ACMG Guidelines, 2015. Collection method: clinical testing. Allele origin: germline. Affected: no.

Genome-Nilou Lab
Classification: Benign for Congenital myopathy 18. Last evaluated: 2023-04-11. Review status: criteria provided, single submitter. Criteria: ACMG Guidelines, 2015. Collection method: clinical testing. Allele origin: germline. Affected: no.

Genome-Nilou Lab
Classification: Benign for Hypokalemic periodic paralysis, type 1. Last evaluated: 2023-04-11. Review status: criteria provided, single submitter. Criteria: ACMG Guidelines, 2015. Collection method: clinical testing. Allele origin: germline. Affected: no.

Color Diagnostics, LLC DBA Color Health
Classification: Benign for Malignant hyperthermia, susceptibility to, 5. Last evaluated: 2022-10-20. Review status: criteria provided, single submitter. Criteria: ACMG Guidelines, 2015. Collection method: clinical testing. Allele origin: germline.

Mayo Clinic Laboratories, Mayo Clinic
Classification: Benign. Last evaluated: 2021-09-30. Review status: criteria provided, single submitter. Criteria: ACMG Guidelines, 2015. Collection method: clinical testing. Allele origin: germline. Observed: 4 variant alleles.
Comment: BS1, BS2, BP4, BP7

Athena Diagnostics
Classification: Benign. Last evaluated: 2018-09-28. Review status: criteria provided, single submitter. Criteria: Athena Diagnostics Criteria. Collection method: clinical testing. Allele origin: germline.

Illumina Laboratory Services, Illumina
Classification: Benign for Hypokalemic periodic paralysis, type 1. Last evaluated: 2018-01-13. Review status: criteria provided, single submitter. Criteria: ICSL Variant Classification Criteria 13 December 2019. Collection method: clinical testing. Allele origin: germline.
Comment: This variant was observed in the ICSL laboratory as part of a predisposition screen in an ostensibly healthy population. It had not been previously curated by ICSL or reported in the Human Gene Mutation Database (HGMD: prior to June 1st, 2018), and was therefore a candidate for classification through an automated scoring system. Utilizing variant allele frequency, disease prevalence and penetrance estimates, and inheritance mode, an automated score was calculated to assess if this variant is too frequent to cause the disease. Based on the score and internal cut-off values, a variant classified as benign is not then subjected to further curation. The score for this variant resulted in a classification of benign for this disease.

GeneDx
Classification: Benign. Last evaluated: 2016-10-21. Review status: criteria provided, single submitter. Criteria: GeneDx Variant Classification (06012015). Collection method: clinical testing. Allele origin: germline. Affected: yes.
Comment: This variant is considered likely benign or benign based on one or more of the following criteria: it is a conservative change, it occurs at a poorly conserved position in the protein, it is predicted to be benign by multiple in silico algorithms, and/or has population frequency not consistent with disease.

Breakthrough Genomics
Classification: Benign. Review status: criteria provided, single submitter. Criteria: ACMG Guidelines, 2015. Collection method: not provided. Allele origin: germline. Inheritance: Autosomal dominant inheritance. Affected: yes.

NM_000069.3(CACNA1S):c.2784C>T (p.Ile928=)

Gene: CACNA1S (calcium voltage-gated channel subunit alpha1 S; minus strand). Cytogenetic location: 1q32.1.
Variant type: single nucleotide variant.
Coding change: c.2784C>T on transcript NM_000069.3 (MANE Select); coding-DNA position 2784, C replaced by T.
Protein change: p.Ile928=; no amino-acid change (isoleucine 928 retained).
Molecular consequence: synonymous variant.
Genome position (GRCh38, 1-based): chr1:201,065,907, G>A on the plus strand (C>T on the coding strand, the complement: CACNA1S is on the minus strand). VCF-style: chr1-201065907-G-A. GRCh37 (hg19) VCF-style: chr1-201035035-G-A.
Other names: p.Ile928=.
Identifiers: ClinVar variation 294738 (VCV000294738.23), dbSNP rs143483718, ClinGen allele CA079288.